The following is an entry in ClinVar:

ClinVar aggregate classification (germline): Uncertain significance. Review status: criteria provided, multiple submitters, no conflicts (2 of 4 stars). 2 submissions from 2 submitters: Uncertain significance (2). Last evaluated 2025-07-21.

Conditions:
RASopathy. Also called: Noonan spectrum disorder; rasopathies. Identifiers: Orphanet 536391, MedGen C5555857, MONDO:0021060.

Allele frequency attached by ClinVar (database versions not stated): gnomAD exomes below 0.00001.
gnomAD v4.1: 2 of 1,573,712 alleles (0.00013%); highest among the groups gnomAD compares: Non-Finnish European, 0.00017%; no homozygotes.

Submissions (2):

Labcorp Genetics (formerly Invitae), Labcorp
Classification: Uncertain significance for RASopathy. Last evaluated: 2025-07-21. Review status: criteria provided, single submitter. Criteria: Invitae Variant Classification Sherloc (09022015). Collection method: clinical testing. Allele origin: germline.
Comment: This sequence change replaces serine, which is neutral and polar, with cysteine, which is neutral and slightly polar, at codon 921 of the SOS1 protein (p.Ser921Cys). This variant is not present in population databases (gnomAD no frequency). This variant has not been reported in the literature in individuals affected with SOS1-related conditions. ClinVar contains an entry for this variant (Variation ID: 503552). Invitae Evidence Modeling of protein sequence and biophysical properties (such as structural, functional, and spatial information, amino acid conservation, physicochemical variation, residue mobility, and thermodynamic stability) has been performed for this missense variant. However, the output from this modeling did not meet the statistical confidence thresholds required to predict the impact of this variant on SOS1 protein function. In summary, the available evidence is currently insufficient to determine the role of this variant in disease. Therefore, it has been classified as a Variant of Uncertain Significance.

Laboratory for Molecular Medicine, Mass General Brigham Personalized Medicine
Classification: Uncertain significance. Last evaluated: 2018-03-01. Review status: criteria provided, single submitter. Criteria: LMM Criteria. Collection method: clinical testing. Allele origin: germline.
Comment: Disclaimer: This variant has not undergone full assessment. The following are preliminary notes: Not present in GnomAd-2:39233582 G / C; Not in ClinVar, Google search or HGMD; well conserved; predicted prob damaging

NM_005633.4(SOS1):c.2762C>G (p.Ser921Cys)

Gene: SOS1 (SOS Ras/Rac guanine nucleotide exchange factor 1; minus strand). Cytogenetic location: 2p22.1.
Variant type: single nucleotide variant.
Coding change: c.2762C>G on transcript NM_005633.4 (MANE Select); coding-DNA position 2762, C replaced by G.
Protein change: p.Ser921Cys; replaces serine 921 with cysteine.
Molecular consequence: missense variant.
Genome position (GRCh38, 1-based): chr2:39,006,441, G>C on the plus strand (C>G on the coding strand, the complement: SOS1 is on the minus strand). VCF-style: chr2-39006441-G-C. GRCh37 (hg19) VCF-style: chr2-39233582-G-C.
Other names: c.2741C>G, p.Ser914Cys (NM_001382394.1); c.2762C>G, p.Ser921Cys (NM_001382395.1); short protein forms S921C, S914C.
Identifiers: ClinVar variation 503552 (VCV000503552.6), dbSNP rs1553353332, ClinGen allele CA346363077.